The following is an entry in ClinVar:

NM_001379500.1(COL18A1):c.3303C>A (p.Asn1101Lys)

Genes: COL18A1 (collagen type XVIII alpha 1 chain; plus strand), SLC19A1 (solute carrier family 19 member 1; minus strand). Cytogenetic location: 21q22.3.
Variant type: single nucleotide variant.
Coding change: c.3303C>A on transcript NM_001379500.1 (MANE Select); coding-DNA position 3303, C replaced by A.
Protein change: p.Asn1101Lys; replaces asparagine 1101 with lysine.
Molecular consequence: missense variant.
Genome position (GRCh38, 1-based): chr21:45,509,409, C>A. VCF-style: chr21-45509409-C-A. GRCh37 (hg19) VCF-style: chr21-46929323-C-A.
Other names: c.3834C>A, p.Asn1278Lys (NM_030582.4); c.4539C>A, p.Asn1513Lys (NM_130444.3); short protein forms N1101K, N1513K, N1278K.
Identifiers: ClinVar variation 1965284 (VCV001965284.5), dbSNP rs768986320, ClinGen allele CA410500706.
Genomic context (GRCh38, chr21:45,509,409, plus strand): 5'-CCTGCAGGACAATGAAGTGGCCGCCTTGCAGCCCCCCGTGGTGCAGCTGCACGACAGCAA[C>A]CCCTACCCGCGGCGGGAGCACCCCCACCCCACCGCGCGGCCCTGGCGGGCAGATGACATC-3'
Protein context (NP_001366429.1, residues 1091-1111): QPPVVQLHDS[Asn1101Lys]PYPRREHPHP

ClinVar aggregate classification (germline): Uncertain significance (1 of 4 stars; one submission).

Submission:

Labcorp Genetics (formerly Invitae), Labcorp
Classification: Uncertain significance. Last evaluated: 2024-11-11. Review status: criteria provided, single submitter. Criteria: Invitae Variant Classification Sherloc (09022015). Collection method: clinical testing. Allele origin: germline.
Comment: This sequence change replaces asparagine, which is neutral and polar, with lysine, which is basic and polar, at codon 1098 of the COL18A1 protein (p.Asn1098Lys). This variant is not present in population databases (gnomAD no frequency). This variant has not been reported in the literature in individuals affected with COL18A1-related conditions. ClinVar contains an entry for this variant (Variation ID: 1965284). Experimental studies and prediction algorithms are not available or were not evaluated, and the functional significance of this variant is currently unknown. In summary, the available evidence is currently insufficient to determine the role of this variant in disease. Therefore, it has been classified as a Variant of Uncertain Significance.